The following is an entry in ClinVar:

ClinVar aggregate classification (germline): Uncertain significance (1 of 4 stars; one submission).

Conditions:
Familial cancer of breast. Also called: BREAST CANCER, FAMILIAL; hereditary breast carcinoma; Hereditary breast cancer. Identifiers: Orphanet 227535, MedGen C0346153, MONDO:0016419, OMIM 114480. Disease mechanism: loss of function.

Submission:

Labcorp Genetics (formerly Invitae), Labcorp
Classification: Uncertain significance for Familial cancer of breast. Last evaluated: 2017-07-31. Review status: criteria provided, single submitter. Criteria: Invitae Variant Classification Sherloc (09022015). Collection method: clinical testing. Allele origin: germline.
Comment: In summary, the available evidence is currently insufficient to determine the role of this variant in disease. Therefore, it has been classified as a Variant of Uncertain Significance. Algorithms developed to predict the effect of sequence changes on RNA splicing suggest that this variant may create or strengthen a splice site, but this prediction has not been confirmed by published transcriptional studies. Algorithms developed to predict the effect of missense changes on protein structure and function (SIFT, PolyPhen-2, Align-GVGD) all suggest that this variant is likely to be tolerated, but these predictions have not been confirmed by published functional studies and their clinical significance is uncertain. This variant has not been reported in the literature in individuals with BARD1-related disease. This variant is not present in population databases (ExAC no frequency). This sequence change replaces asparagine with lysine at codon 626 of the BARD1 protein (p.Asn626Lys). The asparagine residue is moderately conserved and there is a moderate physicochemical difference between asparagine and lysine.

NM_000465.4(BARD1):c.1878T>A (p.Asn626Lys)

Gene: BARD1 (BRCA1 associated RING domain 1; minus strand). Cytogenetic location: 2q35.
Variant type: single nucleotide variant.
Coding change: c.1878T>A on transcript NM_000465.4 (MANE Select); coding-DNA position 1878, T replaced by A.
Protein change: p.Asn626Lys; replaces asparagine 626 with lysine.
Molecular consequence: missense variant. On other transcripts: non-coding transcript variant (3), intron variant (1).
Genome position (GRCh38, 1-based): chr2:214,745,092, A>T on the plus strand (T>A on the coding strand, the complement: BARD1 is on the minus strand). VCF-style: chr2-214745092-A-T. GRCh37 (hg19) VCF-style: chr2-215609816-A-T.
Other names: c.1821T>A, p.Asn607Lys (NM_001282543.2); c.525T>A, p.Asn175Lys (NM_001282545.2); c.468T>A, p.Asn156Lys (NM_001282548.2); c.365-14584T>A (NM_001282549.2); short protein forms N626K, N175K, N156K, N607K.
Identifiers: ClinVar variation 460728 (VCV000460728.9), dbSNP rs1553614944, ClinGen allele CA350452100.